The following is an entry in ClinVar:

ClinVar aggregate classification (germline): Uncertain significance. Review status: criteria provided, multiple submitters, no conflicts (2 of 4 stars). 10 submissions from 10 submitters: Uncertain significance (9). 1 of the submissions does not count toward it. Last evaluated 2026-07-01.

Conditions:
GAA-related disorder. Also called: GAA-related condition.
Glycogen storage disease, type II (IOPD). Also called: POMPE DISEASE, INFANTILE-ONSET; GLYCOGEN STORAGE DISEASE II, INFANTILE-ONSET; ACID ALPHA-GLUCOSIDASE DEFICIENCY, INFANTILE-ONSET; GAA DEFICIENCY, INFANTILE-ONSET; ACID MALTASE DEFICIENCY, INFANTILE-ONSET; GLYCOGENOSIS, GENERALIZED, CARDIAC FORM. Identifiers: Orphanet 365, MedGen C0017921, MONDO:0009290, OMIM 232300.

Allele frequency attached by ClinVar (database versions not stated): gnomAD 0.00001; ExAC 0.00002; gnomAD exomes 0.00002 and 0.00003; TOPMed 0.00004.
gnomAD v4.1: 44 of 1,613,012 alleles (0.0027%); highest among the groups gnomAD compares: East Asian, 0.018%; no homozygotes.

Submissions (10):

Genomenon, Inc
Classification: Uncertain significance for Glycogen storage disease, type II. Last evaluated: 2026-07-01. Review status: criteria provided, single submitter. Criteria: Genomenon Sequence Variant Interpretation Standards - Updated. Collection method: curation. Allele origin: germline.
Comment: GAA p.Ala586Val (c.1757C>T) is a missense variant that changes the amino acid at codon 586 from Alanine to Valine. This variant has been reported in the compound heterozygous and/or homozygous state in at least one individual without a confirmed diagnosis of Pompe disease (PMID:34995642). It is absent or not present at a significant frequency in gnomAD. In silico models predict that this variant is possibly or probably damaging. In conclusion, we classify GAA p.Ala586Val (c.1757C>T) as a variant of uncertain significance.

PreventionGenetics, part of Exact Sciences
Classification: Uncertain significance for GAA-related condition. Last evaluated: 2025-11-10. Review status: criteria provided, single submitter. Criteria: ACMG Guidelines, 2015. Collection method: clinical testing. Allele origin: germline.
Comment: The GAA c.1757C>T variant is predicted to result in the amino acid substitution p.Ala586Val. This variant has been reported in individuals with low GAA enzyme activity identified through newborn screening (Tang et al. 2020. PubMed ID: 33073007; Lee et al. 2022. PubMed ID: 34995642). This variant was also reported in a cohort of individuals with glycogen storage disease II; however, detailed clinical information was not available (Huang et al. 2021. PubMed ID: 33657692). This variant is reported in 0.025% of alleles in individuals of East Asian descent in gnomAD. Although we suspect that this variant may be pathogenic, at this time, the clinical significance of this variant is uncertain due to the absence of conclusive functional and genetic evidence.

GeneDx
Classification: Uncertain significance. Last evaluated: 2025-09-05. Review status: criteria provided, single submitter. Criteria: GeneDx Variant Classification Process June 2021. Collection method: clinical testing. Allele origin: germline.
Comment: Previously reported with a second variant in GAA in an individual with GSD II; clinical information was not reported (PMID: 35462462); In silico analysis supports that this missense variant has a deleterious effect on protein structure/function; This variant is associated with the following publications: (PMID: 19343043, 22253258, 33657692, 34995642, 30093709, 33073007, 35462462)

Revvity Omics, Revvity
Classification: Uncertain significance. Last evaluated: 2024-08-15. Review status: criteria provided, single submitter. Criteria: ACMG Guidelines, 2015. Collection method: clinical testing. Allele origin: germline.

Labcorp Genetics (formerly Invitae), Labcorp
Classification: Uncertain significance for Glycogen storage disease, type II. Last evaluated: 2022-10-24. Review status: criteria provided, single submitter. Criteria: Invitae Variant Classification Sherloc (09022015). Collection method: clinical testing. Allele origin: germline.
Comment: This sequence change replaces alanine, which is neutral and non-polar, with valine, which is neutral and non-polar, at codon 586 of the GAA protein (p.Ala586Val). This variant is present in population databases (rs770021831, gnomAD 0.03%). This variant has not been reported in the literature in individuals affected with GAA-related conditions. ClinVar contains an entry for this variant (Variation ID: 500702). Algorithms developed to predict the effect of missense changes on protein structure and function are either unavailable or do not agree on the potential impact of this missense change (SIFT: "Deleterious"; PolyPhen-2: "Probably Damaging"; Align-GVGD: "Class C0"). In summary, the available evidence is currently insufficient to determine the role of this variant in disease. Therefore, it has been classified as a Variant of Uncertain Significance.

Fulgent Genetics
Classification: Uncertain significance for Glycogen storage disease, type II. Last evaluated: 2021-09-13. Review status: criteria provided, single submitter. Criteria: ACMG Guidelines, 2015. Collection method: clinical testing. Allele origin: unknown.

Genome-Nilou Lab
Classification: Uncertain significance for Glycogen storage disease, type II. Last evaluated: 2021-09-05. Review status: criteria provided, single submitter. Criteria: ACMG Guidelines, 2015. Collection method: clinical testing. Allele origin: germline. Affected: no.

Eurofins Ntd Llc (ga)
Classification: Uncertain significance. Last evaluated: 2017-03-05. Review status: criteria provided, single submitter. Criteria: EGL Classification Definitions 2015. Collection method: clinical testing. Allele origin: germline. Observed: 1 variant allele, 1 heterozygote.

Juno Genomics, Hangzhou Juno Genomics, Inc
Classification: Uncertain significance for Glycogen storage disease, type II. Review status: criteria provided, single submitter. Criteria: ACMG Guidelines, 2015. Collection method: clinical testing. Allele origin: germline.
Comment: Absent from controls (or at extremely low frequency if recessive) in Genome Aggregation Database.;Multiple lines of computational evidence support a deleterious effect on the gene or gene product.

Natera, Inc.
Classification: Uncertain significance for Glycogen storage disease type II. Last evaluated: 2020-09-16. Review status: no assertion criteria provided. Collection method: clinical testing. Allele origin: germline. Not counted in ClinVar's aggregate classification.

Literature cited by the submitters: PubMed 34995642 (cited by Genomenon, Inc).

NM_000152.5(GAA):c.1757C>T (p.Ala586Val)

Gene: GAA (alpha glucosidase; plus strand). Cytogenetic location: 17q25.3.
Variant type: single nucleotide variant.
Coding change: c.1757C>T on transcript NM_000152.5 (MANE Select); coding-DNA position 1757, C replaced by T.
Protein change: p.Ala586Val; replaces alanine 586 with valine.
Molecular consequence: missense variant.
Genome position (GRCh38, 1-based): chr17:80,112,580, C>T. VCF-style: chr17-80112580-C-T. GRCh37 (hg19) VCF-style: chr17-78086379-C-T.
Other names: c.1757C>T (LRG_673t1, NM_000152.4); c.1757C>T, p.Ala586Val (NM_001079803.3, NM_001079804.3); short protein forms A586V.
Identifiers: ClinVar variation 500702 (VCV000500702.20), dbSNP rs770021831, ClinGen allele CA8815469.
Genomic context (GRCh38, chr17:80,112,580, plus strand): 5'-CAGGGTTCCCGAGTGACCCCGCTCCACACAGCCCTCACGGTGTCCCCCACCACCCCAGGG[C>T]GCTGGTGAAGGCTCGGGGGACACGCCCATTTGTGATCTCCCGCTCGACCTTTGCTGGCCA-3'
Protein context (NP_000143.2, residues 576-596): GLTEAIASHR[Ala586Val]LVKARGTRPF